The following is an entry in ClinVar:

ClinVar aggregate classification (germline): Likely pathogenic (1 of 4 stars; one submission).

Conditions:
Familial intrahepatic cholestasis. Identifiers: Orphanet 284385, MedGen CN296401, MONDO:0017290.
Low phospholipid associated cholelithiasis (GBD1). Also called: Gallbladder disease 1; Gallstone cholecystitis. Identifiers: Orphanet 69663, MedGen C2609268, MONDO:0010939, OMIM 600803.

Submission:

Genomenon, Inc
Classification: Likely pathogenic for Familial intrahepatic cholestasis; Low phospholipid associated cholelithiasis. Last evaluated: 2026-04-14. Review status: criteria provided, single submitter. Criteria: Genomenon Sequence Variant Interpretation Standards - Updated. Collection method: curation. Allele origin: germline. Affected: no.
Comment: ABCB4 p.Phe754SerfsTer3 (c.2261del) is a frameshift variant that results in the production of a truncated protein which is predicted to undergo nonsense-mediated mRNA decay. This variant has been reported in the published literature (PMID:32893960;33390354). It is absent or not present at a significant frequency in gnomAD. In conclusion, we classify ABCB4 p.Phe754SerfsTer3 (c.2261del) as a likely pathogenic variant.

Literature cited by the submitters: PubMed 32893960; PubMed 33390354.

NM_000443.4(ABCB4):c.2261del (p.Phe754fs)

Gene: ABCB4 (ATP binding cassette subfamily B member 4; minus strand). Cytogenetic location: 7q21.12.
Variant type: Deletion.
Coding change: c.2261del on transcript NM_000443.4 (MANE Select); coding-DNA position 2261, one base deleted (T; older notation c.2261delT).
Protein change: p.Phe754fs; shifts the reading frame from phenylalanine 754.
Molecular consequence: frameshift variant.
Genome position (GRCh38, 1-based): chr7:87,422,176, A deleted on the plus strand (T on the coding strand, the reverse complement: ABCB4 is on the minus strand); the first of 2 consecutive A bases (chr7:87,422,176-87,422,177); deleting either gives the same sequence. VCF-style (leftmost placement, unchanged base first): chr7-87422175-GA-G. GRCh37 (hg19) VCF-style: chr7-87051491-GA-G.
Other names: c.2261del, p.Phe754fs (NM_018849.3, NM_018850.3); short protein forms F754fs.
Identifiers: ClinVar variation 4846451 (VCV004846451.1).